The following is an entry in ClinVar:

ClinVar aggregate classification (germline): Benign. Review status: criteria provided, multiple submitters, no conflicts (2 of 4 stars). 2 submissions from 2 submitters: Benign (2). Last evaluated 2018-06-19.

Allele frequency attached by ClinVar (database versions not stated): TOPMed 0.99901; gnomAD 0.99902 and 0.99907; gnomAD exomes 0.99939; 1000 Genomes Project 30x 0.99953; 1000 Genomes Project 1.00000.

Submissions (2):

GeneDx
Classification: Benign. Last evaluated: 2018-06-19. Review status: criteria provided, single submitter. Criteria: GeneDx Variant Classification (06012015). Collection method: clinical testing. Allele origin: germline. Affected: yes.
Comment: This variant is considered likely benign or benign based on one or more of the following criteria: it is a conservative change, it occurs at a poorly conserved position in the protein, it is predicted to be benign by multiple in silico algorithms, and/or has population frequency not consistent with disease.

Breakthrough Genomics
Classification: Benign. Review status: criteria provided, single submitter. Criteria: ACMG Guidelines, 2015. Collection method: not provided. Allele origin: germline. Inheritance: Autosomal recessive inheritance. Affected: yes.

NM_020376.4(PNPLA2):c.-145-88T>C

Genes: PNPLA2 (patatin like domain 2, triacylglycerol lipase; plus strand), LOC130005097 (ATAC-STARR-seq lymphoblastoid silent region 3036; plus strand). Cytogenetic location: 11p15.5.
Variant type: single nucleotide variant.
Coding change: c.-145-88T>C on transcript NM_020376.4 (MANE Select); 88 bases into the intron before 145 bases upstream of the start codon, T replaced by C.
Molecular consequence: intron variant.
Genome position (GRCh38, 1-based): chr11:819,486, T>C. VCF-style: chr11-819486-T-C. GRCh37 (hg19) VCF-style: chr11-819486-T-C.
Identifiers: ClinVar variation 667943 (VCV000667943.2), dbSNP rs28535188, ClinGen allele CA16407170.
Genomic context (GRCh38, chr11:819,486, plus strand): 5'-GCTCCAGCGCGGGGGGCCGGGTCAAGGACGGGGGCGGGTCCCGAGGGCACGGCCGTTCCC[T>C]GCGCGCCCCGATTGGTCTTCGTGTGCCGGCCCCGCCCCCGCCGTGAGTCCCACACTTAAA-3'